The following is an entry in ClinVar:

NM_013336.4(SEC61A1):c.1167+6T>C

Genes: RUVBL1 (RuvB like AAA ATPase 1; minus strand), SEC61A1 (SEC61 translocon subunit alpha 1; plus strand). Cytogenetic location: 3q21.3.
Variant type: single nucleotide variant.
Coding change: c.1167+6T>C on transcript NM_013336.4 (MANE Select); 6 bases into the intron after coding-DNA position 1167, T replaced by C.
Molecular consequence: intron variant.
Genome position (GRCh38, 1-based): chr3:128,067,618, T>C. VCF-style: chr3-128067618-T-C. GRCh37 (hg19) VCF-style: chr3-127786461-T-C.
Other names: c.1185+6T>C (NM_001400328.1); c.1008+6T>C (NM_001400329.1); c.940-2398A>G (NM_001319086.1).
Identifiers: ClinVar variation 2901767 (VCV002901767.3), dbSNP rs749575368, ClinGen allele CA2598578.
Genomic context (GRCh38, chr3:128,067,618, plus strand): 5'-CTGTGCATTCTTCTCCAAAACGTGGATTGAGGTCTCAGGTTCCTCTGCCAAAGATGTAAG[T>C]AGAAGCAAAACTTTCTGGAAGGGTGATGAAAGTGTGACTGGTATAAGGGGTGTGGACTTG-3'

ClinVar aggregate classification (germline): Uncertain significance (1 of 4 stars; one submission).

Allele frequency attached by ClinVar (database versions not stated): gnomAD 0.00002; gnomAD exomes 0.00001; TOPMed 0.00003; ExAC 0.00001.
gnomAD v4.1: 18 of 1,604,356 alleles (0.0011%); highest among the groups gnomAD compares: Non-Finnish European, 0.0014%; no homozygotes.

Submission:

Labcorp Genetics (formerly Invitae), Labcorp
Classification: Uncertain significance. Last evaluated: 2025-11-27. Review status: criteria provided, single submitter. Criteria: Invitae Variant Classification Sherloc (09022015). Collection method: clinical testing. Allele origin: germline.
Comment: This sequence change falls in intron 10 of the SEC61A1 gene. It does not directly change the encoded amino acid sequence of the SEC61A1 protein. It affects a nucleotide within the consensus splice site. This variant is present in population databases (rs749575368, gnomAD 0.002%). This variant has not been reported in the literature in individuals affected with SEC61A1-related conditions. ClinVar contains an entry for this variant (Variation ID: 2901767). Variants that disrupt the consensus splice site are a relatively common cause of aberrant splicing (PMID: 17576681, 9536098). Algorithms developed to predict the effect of sequence changes on RNA splicing suggest that this variant may disrupt the consensus splice site. In summary, the available evidence is currently insufficient to determine the role of this variant in disease. Therefore, it has been classified as a Variant of Uncertain Significance.

Literature cited by the submitters: PubMed 17576681; PubMed 9536098.